The following is an entry in ClinVar:

ClinVar aggregate classification (germline): Likely pathogenic (1 of 4 stars; one submission).

Conditions:
Rubinstein-Taybi syndrome due to CREBBP mutations (RSTS1). Also called: RUBINSTEIN-TAYBI SYNDROME 1, INCOMPLETE; BROAD THUMB-HALLUX SYNDROME; Rubinstein-Taybi syndrome 1; CREBBP-Related Rubinstein-Taybi Syndrome; BROAD THUMBS AND GREAT TOES, CHARACTERISTIC FACIES, AND IMPAIRED INTELLECTUAL DEVELOPMENT; RUBINSTEIN SYNDROME. Identifiers: Orphanet 353277, Orphanet 783, MedGen C4551859, MONDO:0008393, OMIM 180849.

Submission:

Laboratory of Medical Genetics, National & Kapodistrian University of Athens
Classification: Likely pathogenic for Rubinstein-Taybi syndrome due to CREBBP mutations. Last evaluated: 2023-11-27. Review status: criteria provided, single submitter. Criteria: ACMG Guidelines, 2015. Collection method: clinical testing. Allele origin: germline. Affected: yes.
Comment: PVS1, PM2 - The variant is expected to result in an absent or disrupted protein product. Low frequency in gnomAD population databases.

NM_004380.3(CREBBP):c.1511_1517del (p.Val504fs)

Gene: CREBBP (CREB binding lysine acetyltransferase; minus strand). Cytogenetic location: 16p13.3.
Variant type: Deletion.
Coding change: c.1511_1517del on transcript NM_004380.3 (MANE Select); coding-DNA positions 1511 to 1517, 7 bases deleted (TTCCTGG; older notation c.1511_1517delTTCCTGG).
Protein change: p.Val504fs; shifts the reading frame from valine 504.
Molecular consequence: frameshift variant.
Genome position (GRCh38, 1-based): chr16:3,782,740-3,782,746, CCAGGAA deleted on the plus strand (TTCCTGG on the coding strand, the reverse complement: CREBBP is on the minus strand); deleting any 7 consecutive bases within chr16:3,782,740-3,782,748 gives the same sequence; the c. name uses the placement nearest the transcript's 3' end. VCF-style (leftmost placement, unchanged base first): chr16-3782739-GCCAGGAA-G. GRCh37 (hg19) VCF-style: chr16-3832740-GCCAGGAA-G.
Other names: c.1397_1403del, p.Val466fs (NM_001079846.1); short protein forms V466fs, V504fs.
Identifiers: ClinVar variation 3256573 (VCV003256573.1).